The following is an entry in ClinVar:

NM_001354604.2(MITF):c.736G>T (p.Asp246Tyr)

Gene: MITF (melanocyte inducing transcription factor; plus strand). Cytogenetic location: 3p13.
Variant type: single nucleotide variant.
Coding change: c.736G>T on transcript NM_001354604.2 (MANE Select); coding-DNA position 736, G replaced by T.
Protein change: p.Asp246Tyr; replaces aspartic acid 246 with tyrosine.
Molecular consequence: missense variant.
Genome position (GRCh38, 1-based): chr3:69,941,305, G>T. VCF-style: chr3-69941305-G-T. GRCh37 (hg19) VCF-style: chr3-69990456-G-T.
Other names: c.580G>T, p.Asp194Tyr (NM_001354608.2, NM_001184967.2); c.733G>T, p.Asp245Tyr (NM_006722.3, NM_001354605.2, NM_001354606.2); c.415G>T, p.Asp139Tyr (NM_198158.3, NM_000248.4); c.736G>T, p.Asp246Tyr (NM_198159.3); c.688G>T, p.Asp230Tyr (NM_198177.3); c.247G>T, p.Asp83Tyr (NM_198178.3); c.685G>T, p.Asp229Tyr (NM_001354607.2); short protein forms D139Y, D194Y, D229Y, D230Y, D245Y, D246Y, D83Y.
Identifiers: ClinVar variation 4086272 (VCV004086272.1).
Genomic context (GRCh38, chr3:69,941,305, plus strand): 5'-GTAATCGATGACATCATTAGCCTAGAATCAAGTTATAATGAGGAAATCTTGGGCTTGATG[G>T]ATCCTGCTTTGCAAATGGCAAATACGGTATTGATAACCTTTTTTTAAGTAGAAAATCTTG-3'
Protein context (NP_001341533.1, residues 236-256): SYNEEILGLM[Asp246Tyr]PALQMANTLP

ClinVar aggregate classification (germline): Uncertain significance (1 of 4 stars; one submission).

gnomAD v4.1: 1 of 1,612,976 alleles (0.000062%); highest among the groups gnomAD compares: Non-Finnish European, 0.000085%; no homozygotes.

Submission:

GeneDx
Classification: Uncertain significance. Last evaluated: 2025-03-17. Review status: criteria provided, single submitter. Criteria: GeneDx Variant Classification Process June 2021. Collection method: clinical testing. Allele origin: germline. Affected: yes.
Comment: Not observed at significant frequency in large population cohorts (gnomAD); In silico analysis supports that this missense variant has a deleterious effect on protein structure/function; Has not been previously published as pathogenic or benign to our knowledge